The following is an entry in ClinVar:

ClinVar aggregate classification (germline): Uncertain significance. Review status: criteria provided, multiple submitters, no conflicts (2 of 4 stars). 2 submissions from 2 submitters: Uncertain significance (2). Last evaluated 2024-05-30.

Conditions:
Inborn genetic diseases. Identifiers: MedGen C0950123, MeSH D030342.

Allele frequency attached by ClinVar (database versions not stated): gnomAD exomes below 0.00001; gnomAD 0.00002; TOPMed 0.00002.
gnomAD v4.1: 5 of 1,613,608 alleles (0.00031%); highest among the groups gnomAD compares: African/African-American, 0.0067%; no homozygotes.

Submissions (2):

Ambry Genetics
Classification: Uncertain significance for Inborn genetic diseases. Last evaluated: 2024-05-30. Review status: criteria provided, single submitter. Criteria: Ambry Variant Classification Scheme 2023. Collection method: clinical testing. Allele origin: germline.

GeneDx
Classification: Uncertain significance. Last evaluated: 2022-05-23. Review status: criteria provided, single submitter. Criteria: GeneDx Variant Classification Process June 2021. Collection method: clinical testing. Allele origin: germline. Affected: yes.
Comment: In silico analysis supports that this missense variant does not alter protein structure/function; Has not been previously published as pathogenic or benign to our knowledge

NM_017780.4(CHD7):c.5849C>T (p.Ala1950Val)

Gene: CHD7 (chromodomain helicase DNA binding protein 7; plus strand). Cytogenetic location: 8q12.2.
Variant type: single nucleotide variant.
Coding change: c.5849C>T on transcript NM_017780.4 (MANE Select); coding-DNA position 5849, C replaced by T.
Protein change: p.Ala1950Val; replaces alanine 1950 with valine.
Molecular consequence: missense variant. On other transcripts: intron variant (1).
Genome position (GRCh38, 1-based): chr8:60,852,202, C>T. VCF-style: chr8-60852202-C-T. GRCh37 (hg19) VCF-style: chr8-61764761-C-T.
Other names: c.1717-10027C>T (NM_001316690.1); c.5849C>T (NM_017780.3); short protein forms A1950V.
Identifiers: ClinVar variation 1800833 (VCV001800833.2), dbSNP rs1418971578, ClinGen allele CA371323226.